The following is an entry in ClinVar:

NM_002335.4(LRP5):c.398A>T (p.Glu133Val)

Gene: LRP5 (LDL receptor related protein 5; plus strand). Cytogenetic location: 11q13.2.
Variant type: single nucleotide variant.
Coding change: c.398A>T on transcript NM_002335.4 (MANE Select); coding-DNA position 398, A replaced by T.
Protein change: p.Glu133Val; replaces glutamic acid 133 with valine.
Molecular consequence: missense variant. On other transcripts: 5 prime UTR variant (1).
Genome position (GRCh38, 1-based): chr11:68,348,153, A>T. VCF-style: chr11-68348153-A-T. GRCh37 (hg19) VCF-style: chr11-68115621-A-T.
Other names: c.-1368A>T (NM_001291902.2); short protein forms E133V.
Identifiers: ClinVar variation 3634226 (VCV003634226.2).

ClinVar aggregate classification (germline): Uncertain significance (1 of 4 stars; one submission).

Submission:

Labcorp Genetics (formerly Invitae), Labcorp
Classification: Uncertain significance. Last evaluated: 2024-04-22. Review status: criteria provided, single submitter. Criteria: Invitae Variant Classification Sherloc (09022015). Collection method: clinical testing. Allele origin: germline.
Comment: This sequence change replaces glutamic acid, which is acidic and polar, with valine, which is neutral and non-polar, at codon 133 of the LRP5 protein (p.Glu133Val). This variant is not present in population databases (gnomAD no frequency). This variant has not been reported in the literature in individuals affected with LRP5-related conditions. Advanced modeling of protein sequence and biophysical properties (such as structural, functional, and spatial information, amino acid conservation, physicochemical variation, residue mobility, and thermodynamic stability) performed at Invitae indicates that this missense variant is expected to disrupt LRP5 protein function with a positive predictive value of 80%. In summary, the available evidence is currently insufficient to determine the role of this variant in disease. Therefore, it has been classified as a Variant of Uncertain Significance.